The following is an entry in ClinVar:

ClinVar aggregate classification (germline): Uncertain significance. Review status: criteria provided, multiple submitters, no conflicts (2 of 4 stars). 4 submissions from 4 submitters: Uncertain significance (3). 1 of the submissions does not count toward it. Last evaluated 2025-08-26.

Conditions:
Retinal dystrophy. Also called: Inherited retinal dystrophy. Identifiers: Orphanet 71862, MedGen C0854723, MeSH D058499, MONDO:0019118, HP:0000556.

Allele frequency attached by ClinVar (database versions not stated): gnomAD exomes below 0.00001 and 0.00001; gnomAD 0.00001 and 0.00002; TOPMed 0.00001.
gnomAD v4.1: 15 of 1,614,024 alleles (0.00093%); highest among the groups gnomAD compares: South Asian, 0.0044%; no homozygotes.

Submissions (4):

Labcorp Genetics (formerly Invitae), Labcorp
Classification: Uncertain significance. Last evaluated: 2025-08-26. Review status: criteria provided, single submitter. Criteria: Invitae Variant Classification Sherloc (09022015). Collection method: clinical testing. Allele origin: germline.
Comment: This sequence change replaces isoleucine, which is neutral and non-polar, with valine, which is neutral and non-polar, at codon 346 of the SEMA4A protein (p.Ile346Val). This variant is present in population databases (no rsID available, gnomAD 0.003%). This variant has not been reported in the literature in individuals affected with SEMA4A-related conditions. ClinVar contains an entry for this variant (Variation ID: 1356186). Invitae Evidence Modeling of protein sequence and biophysical properties (such as structural, functional, and spatial information, amino acid conservation, physicochemical variation, residue mobility, and thermodynamic stability) indicates that this missense variant is not expected to disrupt SEMA4A protein function with a negative predictive value of 80%. In summary, the available evidence is currently insufficient to determine the role of this variant in disease. Therefore, it has been classified as a Variant of Uncertain Significance.

Blueprint Genetics
Classification: Uncertain significance. Last evaluated: 2024-10-04. Review status: criteria provided, single submitter. Criteria: ACMG Guidelines, 2015. Collection method: clinical testing. Allele origin: germline.

Ambry Genetics
Classification: Uncertain significance. Last evaluated: 2024-01-17. Review status: criteria provided, single submitter. Criteria: Ambry Variant Classification Scheme 2023. Collection method: clinical testing. Allele origin: germline.

Institute of Human Genetics, Univ. Regensburg, Univ. Regensburg
Classification: Uncertain significance for Retinal dystrophy. Last evaluated: 2020-01-01. Review status: no assertion criteria provided. Criteria: ACMG Guidelines, 2015. Collection method: clinical testing. Allele origin: germline. Affected: yes. Not counted in ClinVar's aggregate classification.

NM_022367.4(SEMA4A):c.1036A>G (p.Ile346Val)

Gene: SEMA4A (semaphorin 4A; plus strand). Cytogenetic location: 1q22.
Variant type: single nucleotide variant.
Coding change: c.1036A>G on transcript NM_022367.4 (MANE Select); coding-DNA position 1036, A replaced by G.
Protein change: p.Ile346Val; replaces isoleucine 346 with valine.
Molecular consequence: missense variant.
Genome position (GRCh38, 1-based): chr1:156,162,996, A>G. VCF-style: chr1-156162996-A-G. GRCh37 (hg19) VCF-style: chr1-156132787-A-G.
Other names: c.1036A>G (NM_022367.3); c.1036A>G, p.Ile346Val (NM_001193300.2, NM_001193301.2, NM_001370567.1); c.640A>G, p.Ile214Val (NM_001193302.2); c.739A>G, p.Ile247Val (NM_001370568.1); c.529A>G, p.Ile177Val (NM_001370569.1, NM_001370571.1); short protein forms I177V, I214V, I247V, I346V.
Identifiers: ClinVar variation 1356186 (VCV001356186.9), dbSNP rs1325322725, ClinGen allele CA342840463.
Genomic context (GRCh38, chr1:156,162,996, plus strand): 5'-GTCTCCAGGCAGGTTGGCGGGACCAGGAGCTCTGCGGTTTGTGCCTTCTCTCTCTTGGAC[A>G]TTGAACGTGTCTTTAAGGGGAAATACAAAGAGTTGAACAAAGAAACTTCACGCTGGACTA-3'
Protein context (NP_071762.2, residues 336-356): SAVCAFSLLD[Ile346Val]ERVFKGKYKE